The following is an entry in ClinVar:

ClinVar aggregate classification (germline): Conflicting classifications of pathogenicity. Review status: criteria provided, conflicting classifications (1 of 4 stars). 4 submissions from 4 submitters: Likely pathogenic (1); Uncertain significance (2). 1 of the submissions does not count toward it. Last evaluated 2026-01-19.

Conditions:
Tuberous sclerosis syndrome (TSC). Also called: Tuberous Sclerosis Complex; Tuberous sclerosis. Identifiers: Orphanet 805, MedGen C0041341, MONDO:0001734.
Tuberous sclerosis 2 (TSC2). Identifiers: Orphanet 805, MedGen C1860707, MONDO:0013199, OMIM 613254.
Hereditary cancer-predisposing syndrome. Also called: Tumor predisposition; Hereditary Cancer Syndrome; Neoplastic Syndromes, Hereditary; Hereditary neoplastic syndrome. Identifiers: Orphanet 140162, MedGen C0027672, MeSH D009386, MONDO:0015356.

Submissions (4):

Labcorp Genetics (formerly Invitae), Labcorp
Classification: Uncertain significance for Tuberous sclerosis 2. Last evaluated: 2026-01-19. Review status: criteria provided, single submitter. Criteria: Invitae Variant Classification Sherloc (09022015). Collection method: clinical testing. Allele origin: germline.
Comment: This sequence change replaces valine, which is neutral and non-polar, with alanine, which is neutral and non-polar, at codon 334 of the TSC2 protein (p.Val334Ala). This variant is not present in population databases (gnomAD no frequency). This variant has not been reported in the literature in individuals affected with TSC2-related conditions. ClinVar contains an entry for this variant (Variation ID: 65217). Invitae Evidence Modeling of protein sequence and biophysical properties (such as structural, functional, and spatial information, amino acid conservation, physicochemical variation, residue mobility, and thermodynamic stability) indicates that this missense variant is not expected to disrupt TSC2 protein function with a negative predictive value of 95%. Experimental studies have shown that this missense change affects TSC2 function (PMID: 21309039). In summary, the available evidence is currently insufficient to determine the role of this variant in disease. Therefore, it has been classified as a Variant of Uncertain Significance.

Ambry Genetics
Classification: Uncertain significance for Hereditary cancer-predisposing syndrome. Last evaluated: 2024-09-04. Review status: criteria provided, single submitter. Criteria: Ambry Variant Classification Scheme 2023. Collection method: clinical testing. Allele origin: germline.
Comment: The p.V334A variant (also known as c.1001T>C), located in coding exon 10 of the TSC2 gene, results from a T to C substitution at nucleotide position 1001. The valine at codon 334 is replaced by alanine, an amino acid with similar properties. Analysis of this alteration in a transfection-based immunoblot assay showed impaired function compare to wild type TSC2 (Hoogeveen-Westerveld M et al. Hum Mutat, 2011 Apr;32:424-35). This variant was reported in a cohort of patients with an autism spectrum disorder (Bahl S et al. Mol Autism, 2013 Mar;4:5). This amino acid position is highly conserved in available vertebrate species. In addition, this alteration is predicted to be deleterious by in silico analysis. Based on the available evidence, the clinical significance of this variant remains unclear.

Molecular Diagnostics Laboratory, M Health Fairview: University of Minnesota
Classification: Likely pathogenic for Tuberous sclerosis 2. Last evaluated: 2021-07-15. Review status: criteria provided, single submitter. Criteria: ACMG Guidelines, 2015. Collection method: clinical testing. Allele origin: germline. Affected: yes.

Tuberous sclerosis database (TSC2)
No classification provided. Condition: TSC. Review status: no classification provided. Criteria: Tuberous Sclerosis Database Assertion Criteria 2015. Collection method: curation. Allele origin: germline. Affected: yes. Not counted in ClinVar's aggregate classification.

Literature cited by the submitters: PubMed 21309039 (cited by Labcorp Genetics (formerly Invitae), Labcorp and Ambry Genetics); PubMed 23514105 (cited by Ambry Genetics).

NM_000548.5(TSC2):c.1001T>C (p.Val334Ala)

Gene: TSC2 (TSC complex subunit 2; plus strand). Cytogenetic location: 16p13.3.
Variant type: single nucleotide variant.
Coding change: c.1001T>C on transcript NM_000548.5 (MANE Select); coding-DNA position 1001, T replaced by C.
Protein change: p.Val334Ala; replaces valine 334 with alanine.
Molecular consequence: missense variant.
Genome position (GRCh38, 1-based): chr16:2,060,695, T>C. VCF-style: chr16-2060695-T-C. GRCh37 (hg19) VCF-style: chr16-2110696-T-C.
Other names: p.Val334Ala; c.1001T>C, p.Val334Ala (NM_001077183.3, NM_001114382.3, NM_001363528.2 and 3 more transcripts); c.890T>C, p.Val297Ala (NM_001318827.2); c.854T>C, p.Val285Ala (NM_001318829.2); c.401T>C, p.Val134Ala (NM_001318831.2); c.1034T>C, p.Val345Ala (NM_001318832.2); short protein forms V334A, V297A, V345A, V134A, V285A.
Identifiers: ClinVar variation 65217 (VCV000065217.11), dbSNP rs45484892, ClinGen allele CA013517.
Genomic context (GRCh38, chr16:2,060,695, plus strand): 5'-TCTGACCCTGTGTGCTGGCCGGGCTCGTGTTCCAGGCCATGGCATGTCCGAACGAGGTGG[T>C]GTCCTATGAGATCGTCCTGTCCATCACCAGGCTCATCAAGAAGTATAGGAAGGAGCTCCA-3'
Protein context (NP_000539.2, residues 324-344): YQAMACPNEV[Val334Ala]SYEIVLSITR